The following is an entry in ClinVar:

NM_017849.4(TMEM127):c.490T>C (p.Tyr164His)

Gene: TMEM127 (transmembrane protein 127; minus strand). Cytogenetic location: 2q11.2.
Variant type: single nucleotide variant.
Coding change: c.490T>C on transcript NM_017849.4 (MANE Select); coding-DNA position 490, T replaced by C.
Protein change: p.Tyr164His; replaces tyrosine 164 with histidine.
Molecular consequence: missense variant.
Genome position (GRCh38, 1-based): chr2:96,254,035, A>G on the plus strand (T>C on the coding strand, the complement: TMEM127 is on the minus strand). VCF-style: chr2-96254035-A-G. GRCh37 (hg19) VCF-style: chr2-96919773-A-G.
Other names: c.490T>C, p.Tyr164His (NM_001193304.3); short protein forms Y164H.
Identifiers: ClinVar variation 532504 (VCV000532504.14), dbSNP rs1553436892, ClinGen allele CA347652759.

ClinVar aggregate classification (germline): Uncertain significance. Review status: criteria provided, multiple submitters, no conflicts (2 of 4 stars). 4 submissions from 4 submitters: Uncertain significance (4). Last evaluated 2025-12-23.

Conditions:
Hereditary cancer-predisposing syndrome. Also called: Neoplastic Syndromes, Hereditary; Hereditary Cancer Syndrome; Tumor predisposition; Hereditary neoplastic syndrome. Identifiers: Orphanet 140162, MedGen C0027672, MeSH D009386, MONDO:0015356.
Hereditary pheochromocytoma and paraganglioma. Also called: Hereditary Paraganglioma-Pheochromocytoma Syndromes; Hereditary paragangliomas and pheochromocytomas; Hereditary pheochromocytoma-paraganglioma. Identifiers: Orphanet 29072, MedGen C4274332, MONDO:0017366.

Allele frequency attached by ClinVar (database versions not stated): TOPMed 0.00001.

Submissions (4):

Labcorp Genetics (formerly Invitae), Labcorp
Classification: Uncertain significance for Hereditary pheochromocytoma and paraganglioma. Last evaluated: 2025-12-23. Review status: criteria provided, single submitter. Criteria: Invitae Variant Classification Sherloc (09022015). Collection method: clinical testing. Allele origin: germline.
Comment: This sequence change replaces tyrosine, which is neutral and polar, with histidine, which is basic and polar, at codon 164 of the TMEM127 protein (p.Tyr164His). This variant is not present in population databases (gnomAD no frequency). This variant has not been reported in the literature in individuals affected with TMEM127-related conditions. ClinVar contains an entry for this variant (Variation ID: 532504). An algorithm developed to predict the effect of missense changes on protein structure and function (PolyPhen-2) suggests that this variant is likely to be disruptive. In summary, the available evidence is currently insufficient to determine the role of this variant in disease. Therefore, it has been classified as a Variant of Uncertain Significance.

Ambry Genetics
Classification: Uncertain significance for Hereditary cancer-predisposing syndrome. Last evaluated: 2025-02-10. Review status: criteria provided, single submitter. Criteria: Ambry Variant Classification Scheme 2023. Collection method: clinical testing. Allele origin: germline.
Comment: The p.Y164H variant (also known as c.490T>C), located in coding exon 3 of the TMEM127 gene, results from a T to C substitution at nucleotide position 490. The tyrosine at codon 164 is replaced by histidine, an amino acid with similar properties. This amino acid position is highly conserved in available vertebrate species. In addition, this alteration is predicted to be deleterious by in silico analysis. Since supporting evidence is limited at this time, the clinical significance of this alteration remains unclear.

GeneDx
Classification: Uncertain significance. Last evaluated: 2022-11-28. Review status: criteria provided, single submitter. Criteria: GeneDx Variant Classification Process June 2021. Collection method: clinical testing. Allele origin: germline. Affected: yes.
Comment: Not observed at significant frequency in large population cohorts (gnomAD); In silico analysis supports that this missense variant does not alter protein structure/function; Has not been previously published as pathogenic or benign to our knowledge

Sema4
Classification: Uncertain significance for Hereditary cancer-predisposing syndrome. Last evaluated: 2021-08-03. Review status: criteria provided, single submitter. Criteria: Sema4 Curation Guidelines. Collection method: curation. Allele origin: germline.
Comment: The TMEM127 c.490T>C (p.Y164H) variant has not been reported in literature to our knowledge. This variant was not observed in the large and broad cohorts of the Genome Aggregation Database (PMID: 32461654). This variant has been reported in ClinVar (Variation ID 532504). Functional studies have not been performed, and in silico predictions of the variant's effect on protein function are inconclusive. The overall evidence is insufficient to meet ACMG/AMP criteria for classifying it as benign or pathogenic. In summary, the clinical significance of this variant is currently uncertain.